The following is an entry in ClinVar:

ClinVar aggregate classification (germline): Uncertain significance (1 of 4 stars; one submission).

gnomAD v4.1: 2 of 1,614,188 alleles (0.00012%); highest among the groups gnomAD compares: Non-Finnish European, 0.000085%; no homozygotes.

Submission:

Labcorp Genetics (formerly Invitae), Labcorp
Classification: Uncertain significance. Last evaluated: 2025-07-06. Review status: criteria provided, single submitter. Criteria: Invitae Variant Classification Sherloc (09022015). Collection method: clinical testing. Allele origin: germline.
Comment: This sequence change replaces leucine, which is neutral and non-polar, with proline, which is neutral and non-polar, at codon 548 of the ADGRE2 protein (p.Leu548Pro). This variant is not present in population databases (gnomAD no frequency). This variant has not been reported in the literature in individuals affected with ADGRE2-related conditions. An algorithm developed to predict the effect of missense changes on protein structure and function (PolyPhen-2) suggests that this variant is likely to be disruptive. In summary, the available evidence is currently insufficient to determine the role of this variant in disease. Therefore, it has been classified as a Variant of Uncertain Significance.

NM_013447.4(ADGRE2):c.1643T>C (p.Leu548Pro)

Gene: ADGRE2 (adhesion G protein-coupled receptor E2; minus strand). Cytogenetic location: 19p13.12.
Variant type: single nucleotide variant.
Coding change: c.1643T>C on transcript NM_013447.4 (MANE Select); coding-DNA position 1643, T replaced by C.
Protein change: p.Leu548Pro; replaces leucine 548 with proline.
Molecular consequence: missense variant.
Genome position (GRCh38, 1-based): chr19:14,752,474, A>G on the plus strand (T>C on the coding strand, the complement: ADGRE2 is on the minus strand). VCF-style: chr19-14752474-A-G. GRCh37 (hg19) VCF-style: chr19-14863286-A-G.
Other names: c.1469T>C, p.Leu490Pro (NM_001271052.1); c.1496T>C, p.Leu499Pro (NM_152916.2); c.1364T>C, p.Leu455Pro (NM_152917.2); short protein forms L490P, L499P, L455P, L548P.
Identifiers: ClinVar variation 4722325 (VCV004722325.1).
Genomic context (GRCh38, chr19:14,752,474, plus strand): 5'-CTGGTGTTCTGGATGGCTTTACACAGGAGAAAAGTGAGGGCCGCCAGGAGGAGGCACAGC[A>G]GAGAGACGCTCAGCCCCATGTAGGTGATGACAGTCAGCACGGGATCCTCCTCCTGGGACC-3'
Protein context (NP_038475.2, residues 538-558): VITYMGLSVS[Leu548Pro]LCLLLAALTF